The following is an entry in ClinVar:

NM_001849.4(COL6A2):c.2661G>A (p.Glu887=)

Gene: COL6A2 (collagen type VI alpha 2 chain; plus strand). Cytogenetic location: 21q22.3.
Variant type: single nucleotide variant.
Coding change: c.2661G>A on transcript NM_001849.4 (MANE Select); coding-DNA position 2661, G replaced by A.
Protein change: p.Glu887=; no amino-acid change (glutamic acid 887 retained).
Molecular consequence: synonymous variant.
Genome position (GRCh38, 1-based): chr21:46,132,153, G>A. VCF-style: chr21-46132153-G-A. GRCh37 (hg19) VCF-style: chr21-47552067-G-A.
Identifiers: ClinVar variation 284815 (VCV000284815.25), dbSNP rs148249892, ClinGen allele CA10072969.

ClinVar aggregate classification (germline): Conflicting classifications of pathogenicity. Review status: criteria provided, conflicting classifications (1 of 4 stars). 4 submissions from 4 submitters: Uncertain significance (1); Likely benign (3). Last evaluated 2025-10-01.

Conditions:
COL6A2-related disorder.
Collagen 6-related myopathy. Identifiers: MedGen CN117976, MONDO:0100225.
Bethlem myopathy 1A. Also called: MYOPATHY, BENIGN CONGENITAL, WITH CONTRACTURES; Bethlem myopathy 1; Bethlem Muscular Dystrophy. Identifiers: Orphanet 610, MedGen CN029274, MONDO:0024530, OMIM 158810.

Allele frequency attached by ClinVar (database versions not stated): ESP Exome Variant Server 0.00008; ExAC 0.00020; gnomAD exomes 0.00024 and 0.00029; TOPMed 0.00034; gnomAD 0.00048 and 0.00051.
gnomAD v4.1: 486 of 1,569,366 alleles (0.031%); highest among the groups gnomAD compares: Admixed American, 0.1%; 1 homozygote.

Submissions (4):

Labcorp Genetics (formerly Invitae), Labcorp
Classification: Likely benign for Bethlem myopathy 1A. Last evaluated: 2025-10-01. Review status: criteria provided, single submitter. Criteria: Invitae Variant Classification Sherloc (09022015). Collection method: clinical testing. Allele origin: germline.

PreventionGenetics, part of Exact Sciences
Classification: Likely benign for COL6A2-related condition. Last evaluated: 2024-10-30. Review status: criteria provided, single submitter. Criteria: ACMG Guidelines, 2015. Collection method: clinical testing. Allele origin: germline.
Comment: This variant is classified as likely benign based on ACMG/AMP sequence variant interpretation guidelines (Richards et al. 2015 PMID: 25741868, with internal and published modifications).

Illumina Laboratory Services, Illumina
Classification: Likely benign for Collagen VI-related myopathy. Last evaluated: 2018-01-13. Review status: criteria provided, single submitter. Criteria: ICSL Variant Classification Criteria 13 December 2019. Collection method: clinical testing. Allele origin: germline.
Comment: This variant was observed in the ICSL laboratory as part of a predisposition screen in an ostensibly healthy population. It had not been previously curated by ICSL or reported in the Human Gene Mutation Database (HGMD: prior to June 1st, 2018), and was therefore a candidate for classification through an automated scoring system. Utilizing variant allele frequency, disease prevalence and penetrance estimates, and inheritance mode, an automated score was calculated to assess if this variant is too frequent to cause the disease. Based on the score and internal cut-off values, a variant classified as likely benign is not then subjected to further curation. The score for this variant resulted in a classification of likely benign for this disease.

Eurofins Ntd Llc (ga)
Classification: Uncertain significance. Last evaluated: 2017-11-06. Review status: criteria provided, single submitter. Criteria: EGL Classification Definitions 2015. Collection method: clinical testing. Allele origin: germline. Observed: 9 variant alleles, 9 heterozygotes.